The following is an entry in ClinVar:

NM_052872.4(IL17F):c.133G>A (p.Glu45Lys)

Gene: IL17F (interleukin 17F; minus strand). Cytogenetic location: 6p12.2.
Variant type: single nucleotide variant.
Coding change: c.133G>A on transcript NM_052872.4 (MANE Select); coding-DNA position 133, G replaced by A.
Protein change: p.Glu45Lys; replaces glutamic acid 45 with lysine.
Molecular consequence: missense variant.
Genome position (GRCh38, 1-based): chr6:52,238,851, C>T on the plus strand (G>A on the coding strand, the complement: IL17F is on the minus strand). VCF-style: chr6-52238851-C-T. GRCh37 (hg19) VCF-style: chr6-52103649-C-T.
Other names: short protein forms E45K.
Identifiers: ClinVar variation 2829191 (VCV002829191.3), dbSNP rs1238529220, ClinGen allele CA364445120.

ClinVar aggregate classification (germline): Uncertain significance (1 of 4 stars; one submission).

Conditions:
Candidiasis, familial, 6 (CANDF6). Also called: Candidiasis, familial, 6, autosomal dominant. Identifiers: Orphanet 1334, MedGen C3151405, MONDO:0013503, OMIM 613956.

Allele frequency attached by ClinVar (database versions not stated): gnomAD exomes below 0.00001.
gnomAD v4.1: 2 of 1,614,072 alleles (0.00012%); highest among the groups gnomAD compares: Non-Finnish European, 0.00017%; no homozygotes.

Submission:

Labcorp Genetics (formerly Invitae), Labcorp
Classification: Uncertain significance for Candidiasis, familial, 6. Last evaluated: 2024-09-30. Review status: criteria provided, single submitter. Criteria: Invitae Variant Classification Sherloc (09022015). Collection method: clinical testing. Allele origin: germline.
Comment: This sequence change replaces glutamic acid, which is acidic and polar, with lysine, which is basic and polar, at codon 45 of the IL17F protein (p.Glu45Lys). This variant is present in population databases (no rsID available, gnomAD 0.0009%). This variant has not been reported in the literature in individuals affected with IL17F-related conditions. An algorithm developed to predict the effect of missense changes on protein structure and function outputs the following: PolyPhen-2: "Benign". The lysine amino acid residue is found in multiple mammalian species, which suggests that this missense change does not adversely affect protein function. In summary, the available evidence is currently insufficient to determine the role of this variant in disease. Therefore, it has been classified as a Variant of Uncertain Significance.